The following is an entry in ClinVar:

NM_001040151.2(SCN3B):c.391C>A (p.His131Asn)

Gene: SCN3B (sodium voltage-gated channel beta subunit 3; minus strand). Cytogenetic location: 11q24.1.
Variant type: single nucleotide variant.
Coding change: c.391C>A on transcript NM_001040151.2 (MANE Select); coding-DNA position 391, C replaced by A.
Protein change: p.His131Asn; replaces histidine 131 with asparagine.
Molecular consequence: missense variant.
Genome position (GRCh38, 1-based): chr11:123,642,500, G>T on the plus strand (C>A on the coding strand, the complement: SCN3B is on the minus strand). VCF-style: chr11-123642500-G-T. GRCh37 (hg19) VCF-style: chr11-123513208-G-T.
Other names: c.391C>A, p.His131Asn (NM_018400.4); short protein forms H131N.
Identifiers: ClinVar variation 3227131 (VCV003227131.1), dbSNP rs2497572461, ClinGen allele CA383071356.
Genomic context (GRCh38, chr11:123,642,500, plus strand): 5'-CCTCACCCTCCTCGGTGACTCTTAGGGGGATCAGCCGCGTCGTCTTCACAAAGGGCCGAT[G>T]CGCCTCAAACTCAAACTCCCGGGACACATTGCAGGTGTAGAGGCCAGAGTCGTTCAGAGT-3'
Protein context (NP_001035241.1, residues 121-141): NVSREFEFEA[His131Asn]RPFVKTTRLI

ClinVar aggregate classification (germline): Uncertain significance (1 of 4 stars; one submission).

Conditions:
Cardiovascular phenotype. Identifiers: MedGen CN230736.

Submission:

Ambry Genetics
Classification: Uncertain significance for Cardiovascular phenotype. Last evaluated: 2023-12-10. Review status: criteria provided, single submitter. Criteria: Ambry Variant Classification Scheme 2023. Collection method: clinical testing. Allele origin: germline.
Comment: The p.H131N variant (also known as c.391C>A), located in coding exon 3 of the SCN3B gene, results from a C to A substitution at nucleotide position 391. The histidine at codon 131 is replaced by asparagine, an amino acid with similar properties. This amino acid position is conserved. In addition, this alteration is predicted to be tolerated by in silico analysis. Since supporting evidence is limited at this time, the clinical significance of this alteration remains unclear.